The following is an entry in ClinVar:

ClinVar aggregate classification (germline): Uncertain significance (1 of 4 stars; one submission).

Allele frequency attached by ClinVar (database versions not stated): ExAC 0.00001; gnomAD 0.00001; gnomAD exomes 0.00001; TOPMed 0.00002; 1000 Genomes Project 0.00020; 1000 Genomes Project 30x 0.00031.
gnomAD v4.1: 14 of 1,614,154 alleles (0.00087%); highest among the groups gnomAD compares: Admixed American, 0.0033%; no homozygotes.

Submission:

CeGaT Center for Human Genetics Tuebingen
Classification: Uncertain significance. Last evaluated: 2022-09-01. Review status: criteria provided, single submitter. Criteria: CeGaT Center For Human Genetics Tuebingen Variant Classification Criteria Version 2. Collection method: clinical testing. Allele origin: germline. Affected: yes. Observed: 1 variant allele.
Comment: SLC4A5: PP3

NM_133478.3(SLC4A5):c.1229G>A (p.Arg410Gln)

Gene: SLC4A5 (solute carrier family 4 member 5; minus strand). Cytogenetic location: 2p13.1.
Variant type: single nucleotide variant.
Coding change: c.1229G>A on transcript NM_133478.3 (MANE Select); coding-DNA position 1229, G replaced by A.
Protein change: p.Arg410Gln; replaces arginine 410 with glutamine.
Molecular consequence: missense variant.
Genome position (GRCh38, 1-based): chr2:74,253,013, C>T on the plus strand (G>A on the coding strand, the complement: SLC4A5 is on the minus strand). VCF-style: chr2-74253013-C-T. GRCh37 (hg19) VCF-style: chr2-74480140-C-T.
Other names: c.881G>A, p.Arg294Gln (NM_001386136.1); c.1229G>A, p.Arg410Gln (NM_021196.3); short protein forms R294Q, R410Q.
Identifiers: ClinVar variation 2651066 (VCV002651066.24), dbSNP rs185041249, ClinGen allele CA1720864.
Genomic context (GRCh38, chr2:74,253,013, plus strand): 5'-ACTGCCCATTCTCATACACACCTCTTGTCAGCAGAGGGCACCTTCTTGGGGGGCTCAATC[C>T]GGATATTTGGGTCCCATTCTCCAGGAGGAAGGACGATGACCTCATCCAGAAATTCATCAA-3'
Protein context (NP_597812.1, residues 400-420): LPPGEWDPNI[Arg410Gln]IEPPKKVPSA